The following is an entry in ClinVar:

NM_001844.5(COL2A1):c.4074+1G>T

Gene: COL2A1 (collagen type II alpha 1 chain; minus strand). Cytogenetic location: 12q13.11.
Variant type: single nucleotide variant.
Coding change: c.4074+1G>T on transcript NM_001844.5 (MANE Select); the canonical splice donor site of the intron after coding-DNA position 4074, G replaced by T.
Molecular consequence: splice donor variant.
Genome position (GRCh38, 1-based): chr12:47,974,674, C>A on the plus strand (G>T on the coding strand, the complement: COL2A1 is on the minus strand). VCF-style: chr12-47974674-C-A. GRCh37 (hg19) VCF-style: chr12-48368457-C-A.
Other names: c.3867+1G>T (NM_033150.3).
Identifiers: ClinVar variation 3721122 (VCV003721122.2).

ClinVar aggregate classification (germline): Pathogenic (1 of 4 stars; one submission).

Submission:

Labcorp Genetics (formerly Invitae), Labcorp
Classification: Pathogenic. Last evaluated: 2024-09-30. Review status: criteria provided, single submitter. Criteria: Invitae Variant Classification Sherloc (09022015). Collection method: clinical testing. Allele origin: germline.
Comment: This sequence change affects a donor splice site in intron 52 of the COL2A1 gene. It is expected to disrupt RNA splicing. Variants that disrupt the donor or acceptor splice site typically lead to a loss of protein function (PMID: 16199547), and loss-of-function variants in COL2A1 are known to be pathogenic (PMID: 20179744). This variant is not present in population databases (gnomAD no frequency). Disruption of this splice site has been observed in individual(s) with Stickler syndrome (PMID: 20179744, 35052477; internal data). Algorithms developed to predict the effect of sequence changes on RNA splicing suggest that this variant may disrupt the consensus splice site. For these reasons, this variant has been classified as Pathogenic.

Literature cited by the submitters: PubMed 16199547; PubMed 20179744; PubMed 35052477.